The following is an entry in ClinVar:

NM_001555.5(IGSF1):c.722G>C (p.Gly241Ala)

Gene: IGSF1 (immunoglobulin superfamily member 1; minus strand). Cytogenetic location: Xq26.1.
Variant type: single nucleotide variant.
Coding change: c.722G>C on transcript NM_001555.5 (MANE Select); coding-DNA position 722, G replaced by C.
Protein change: p.Gly241Ala; replaces glycine 241 with alanine.
Molecular consequence: missense variant.
Genome position (GRCh38, 1-based): chrX:131,283,210, C>G on the plus strand (G>C on the coding strand, the complement: IGSF1 is on the minus strand). VCF-style: chrX-131283210-C-G. GRCh37 (hg19) VCF-style: chrX-130417184-C-G.
Other names: c.722G>C, p.Gly241Ala (NM_001170961.2, NM_001438811.1, NM_001438812.1 and 3 more transcripts); c.695G>C, p.Gly232Ala (NM_001170962.2); short protein forms G232A, G241A.
Identifiers: ClinVar variation 4279668 (VCV004279668.1).
Genomic context (GRCh38, chrX:131,283,210, plus strand): 5'-CTCATTAGAGCAAAGGTCATTCCATAGATTGGCCCTTGGCACCTGAGATTCAGGCTTTCT[C>G]CAGGTGCCATGATGGGCCCAGGATGGGCTGTCAAAGTTGGTTTGGGGTAGAGTCCTACAA-3'
Protein context (NP_001546.2, residues 231-251): TAHPGPIMAP[Gly241Ala]ESLNLRCQGP

ClinVar aggregate classification (germline): Uncertain significance (1 of 4 stars; one submission).

Conditions:
X-linked central congenital hypothyroidism with late-onset testicular enlargement. Also called: HYPOTHYROIDISM, CENTRAL, WITH TESTICULAR ENLARGEMENT; Hypothyroidism, central, and testicular enlargement. Identifiers: Orphanet 329235, MedGen C3550963, MONDO:0010475, OMIM 300888.

Submission:

Daryl Scott Lab, Baylor College of Medicine
Classification: Uncertain significance for X-linked central congenital hypothyroidism with late-onset testicular enlargement. Review status: criteria provided, single submitter. Criteria: ACMG Guidelines, 2015. Collection method: clinical testing. Allele origin: maternal. Affected: yes. Observed: 1 hemizygote.
Comment: BS2, PP3